The following is an entry in ClinVar:

NM_133433.4(NIPBL):c.1510A>T (p.Lys504Ter)

Gene: NIPBL (NIPBL cohesin loading factor; plus strand). Cytogenetic location: 5p13.2.
Variant type: single nucleotide variant.
Coding change: c.1510A>T on transcript NM_133433.4 (MANE Select); coding-DNA position 1510, A replaced by T.
Protein change: p.Lys504Ter; replaces lysine 504 with a stop codon.
Molecular consequence: nonsense.
Genome position (GRCh38, 1-based): chr5:36,984,690, A>T. VCF-style: chr5-36984690-A-T. GRCh37 (hg19) VCF-style: chr5-36984792-A-T.
Other names: c.1510A>T, p.Lys504Ter (NM_001438586.1, NM_015384.5); short protein forms K504*.
Identifiers: ClinVar variation 4871709 (VCV004871709.1).

ClinVar aggregate classification (germline): Pathogenic (1 of 4 stars; one submission).

Conditions:
Cornelia de Lange syndrome 1 (CDLS1). Also called: TYPUS DEGENERATIVUS AMSTELODAMENSIS; Brachmann de Lange syndrome; NIPBL-Related Cornelia de Lange Syndrome. Identifiers: Orphanet 199, MedGen C4551851, MONDO:0007387, OMIM 122470.

Submission:

Centro Nacional de Genética Medica, Administración Nacional de Laboratorios e Institutos de Salud (ANLIS) “Dr. Carlos G Malbrán”
Classification: Pathogenic for Cornelia de Lange syndrome 1. Last evaluated: 2025-08-20. Review status: criteria provided, single submitter. Criteria: ACMG Guidelines, 2015. Collection method: clinical testing. Allele origin: germline. Affected: yes. Observed: 1 variant allele.
Comment: Consequently, a change of the amino acid lysine at position 504 to a premature (nonsense) stop codon (p.Lys504*) is predicted. This type of variant generally results in the deletion of messenger RNA through the process of nonsense-mediated decay (NMD) (PMID: 16757948; PMID: 17352659). There are reports of patients with nonsense variants, frameshift mutations, and alterations in canonical splicing sites with clinical presentations of CdLS (PMID: 15146185). In a study of 12 unrelated families, among whom those individuals with clinical CdLS presented with splice site disruptions or frameshift variants resulting in a premature stop codon (PMID: 15146186). Other studied 120 unrelated individuals with CdLS, of whom 47% had pathogenic variants in NIPBL (PMID: 15318302). Of these, 21 were frameshift, 12 were missense, 10 were nonsense, and 8 had alterations in canonical splice sites. The gene is considered haploinsufficient according to Clingen, and a report, there is a case of a deletion at 5p13.1-14.2 involving the NIPBL gene in a patient with CdLS (PMID: 15318302). As a consequence of the variant found in the patient, there would be no translation and, therefore, a lack of protein (PVS1). The variant found is not present in population databases such as GnomAD, ExAc, or 1000 Genomes (PM2_Supporting). The patient's phenotype is consistent with CdLS, and the NIPBL gene is closely related to the pathology (PP4).

Literature cited by the submitters: PubMed 16757948; PubMed 17352659; PubMed 15146185; PubMed 15146186; PubMed 15318302.